The following is an entry in ClinVar:

NM_024426.6(WT1):c.1121G>A (p.Arg374Gln)

Gene: WT1 (WT1 transcription factor; minus strand). Cytogenetic location: 11p13.
Variant type: single nucleotide variant.
Coding change: c.1121G>A on transcript NM_024426.6 (MANE Select); coding-DNA position 1121, G replaced by A.
Protein change: p.Arg374Gln; replaces arginine 374 with glutamine.
Molecular consequence: missense variant. On other transcripts: 5 prime UTR variant (1), non-coding transcript variant (1).
Genome position (GRCh38, 1-based): chr11:32,396,400, C>T on the plus strand (G>A on the coding strand, the complement: WT1 is on the minus strand). VCF-style: chr11-32396400-C-T. GRCh37 (hg19) VCF-style: chr11-32417946-C-T.
Other names: c.1070G>A, p.Arg357Gln (NM_000378.6, NM_001407045.1, NM_001407048.1 and 1 more transcripts); c.470G>A, p.Arg157Gln (NM_001198551.2); c.419G>A, p.Arg140Gln (NM_001198552.2); c.-68G>A (NM_001367854.1); c.1115G>A, p.Arg372Gln (NM_001407044.1); c.1121G>A, p.Arg374Gln (NM_001407046.1, NM_024424.5); c.998G>A, p.Arg333Gln (NM_001407047.1); c.947G>A, p.Arg316Gln (NM_001407050.1); and 2 more; short protein forms R157Q, R374Q, R140Q, R357Q, R352Q, R120Q, R316Q, R333Q.
Identifiers: ClinVar variation 476679 (VCV000476679.16), dbSNP rs772590420, ClinGen allele CA064254.

ClinVar aggregate classification (germline): Uncertain significance. Review status: criteria provided, multiple submitters, no conflicts (2 of 4 stars). 7 submissions from 7 submitters: Uncertain significance (7). Last evaluated 2025-08-21.

Conditions:
Wilms tumor 1 (WT1). Also called: Wilms tumor, somatic. Identifiers: Orphanet 654, MedGen CN033288, MONDO:0008679, OMIM 194070.
Drash syndrome (DDS). Also called: NEPHROPATHY, WILMS TUMOR, AND GENITAL ANOMALIES; WILMS TUMOR AND PSEUDO- OR TRUE HERMAPHRODITISM. Identifiers: Orphanet 220, MedGen C0950121, MONDO:0008682, OMIM 194080.
Frasier syndrome. Identifiers: Orphanet 347, MedGen C0950122, MeSH D052159, MONDO:0007635, OMIM 136680.
11p partial monosomy syndrome (WAGR). Also called: WAGR Spectrum Disorder; WAGR Complex; CHROMOSOME 11p13 DELETION SYNDROME; WAGR syndrome. Identifiers: Orphanet 893, MedGen C0206115, MONDO:0008681, OMIM 194072.
Inborn genetic diseases. Identifiers: MedGen C0950123, MeSH D030342.
Meacham syndrome. Also called: Meacham Winn Culler syndrome. Identifiers: Orphanet 3097, MedGen C1837026, MONDO:0012164, OMIM 608978.
Mesothelioma, malignant (MESOM). Also called: Malignant mesothelioma (disease). Identifiers: Orphanet 50251, MedGen C0345967, MONDO:0006292, OMIM 156240, HP:0100001.
Nephrotic syndrome, type 4 (NPHS4). Also called: Familial mesangial sclerosis; Nephrotic syndrome, early onset with diffuse mesangial sclerosis. Identifiers: Orphanet 656, MedGen C3151568, MONDO:0009733, OMIM 256370.

Allele frequency attached by ClinVar (database versions not stated): TOPMed 0.00002; gnomAD exomes 0.00001 and 0.00002; ExAC 0.00002.

Submissions (7):

Color Diagnostics, LLC DBA Color Health
Classification: Uncertain significance for Wilms tumor 1. Last evaluated: 2025-08-21. Review status: criteria provided, single submitter. Criteria: ACMG Guidelines, 2015. Collection method: clinical testing. Allele origin: germline.
Comment: This missense variant replaces arginine with glutamine at codon 369 of the WT1 protein. Computational prediction is inconclusive regarding the impact of this variant on protein structure and function. To our knowledge, functional studies have not been reported for this variant. This variant has not been reported in individuals affected with WT1-related disorders in the literature. This variant has been identified in 4/251148 chromosomes in the general population by the Genome Aggregation Database (gnomAD). The available evidence is insufficient to determine the role of this variant in disease conclusively. Therefore, this variant is classified as a Variant of Uncertain Significance.

Ambry Genetics
Classification: Uncertain significance for Inborn genetic diseases. Last evaluated: 2024-12-23. Review status: criteria provided, single submitter. Criteria: Ambry Variant Classification Scheme 2023. Collection method: clinical testing. Allele origin: germline.
Comment: The p.R369Q variant (also known as c.1106G>A), located in coding exon 7 of the WT1 gene, results from a G to A substitution at nucleotide position 1106. The arginine at codon 369 is replaced by glutamine, an amino acid with highly similar properties. This amino acid position is highly conserved in available vertebrate species. In addition, the in silico prediction for this alteration is inconclusive. Based on the available evidence, the clinical significance of this variant remains unclear.

GeneDx
Classification: Uncertain significance. Last evaluated: 2024-08-09. Review status: criteria provided, single submitter. Criteria: GeneDx Variant Classification Process June 2021. Collection method: clinical testing. Allele origin: germline.
Comment: Not observed at significant frequency in large population cohorts (gnomAD); In silico analysis supports that this missense variant has a deleterious effect on protein structure/function; Has not been previously published as pathogenic or benign to our knowledge; This variant is associated with the following publications: (PMID: 17361230)

Fulgent Genetics
Classification: Uncertain significance for Frasier syndrome; Mesothelioma, malignant; Wilms tumor 1; Drash syndrome; Nephrotic syndrome, type 4; Meacham syndrome. Last evaluated: 2024-04-15. Review status: criteria provided, single submitter. Criteria: ACMG Guidelines, 2015. Collection method: clinical testing. Allele origin: germline.

Labcorp Genetics (formerly Invitae), Labcorp
Classification: Uncertain significance for Wilms tumor 1; Drash syndrome; 11p partial monosomy syndrome; Frasier syndrome. Last evaluated: 2023-12-11. Review status: criteria provided, single submitter. Criteria: Invitae Variant Classification Sherloc (09022015). Collection method: clinical testing. Allele origin: germline.
Comment: This sequence change replaces arginine, which is basic and polar, with glutamine, which is neutral and polar, at codon 369 of the WT1 protein (p.Arg369Gln). This variant is present in population databases (rs772590420, gnomAD 0.007%). This variant has not been reported in the literature in individuals affected with WT1-related conditions. ClinVar contains an entry for this variant (Variation ID: 476679). Advanced modeling of protein sequence and biophysical properties (such as structural, functional, and spatial information, amino acid conservation, physicochemical variation, residue mobility, and thermodynamic stability) has been performed at Invitae for this missense variant, however the output from this modeling did not meet the statistical confidence thresholds required to predict the impact of this variant on WT1 protein function. In summary, the available evidence is currently insufficient to determine the role of this variant in disease. Therefore, it has been classified as a Variant of Uncertain Significance.

Baylor Genetics
Classification: Uncertain significance for Drash syndrome. Last evaluated: 2023-11-07. Review status: criteria provided, single submitter. Criteria: ACMG Guidelines, 2015. Collection method: clinical testing. Allele origin: unknown.

All of Us Research Program, National Institutes of Health
Classification: Uncertain significance for Wilms tumor 1. Last evaluated: 2023-08-15. Review status: criteria provided, single submitter. Criteria: ACMG Guidelines, 2015. Collection method: clinical testing. Allele origin: germline. Inheritance: Autosomal dominant inheritance. Observed: 1 variant allele, 1 heterozygote.
Comment: This study involves interpretation of variants in research participants for the purpose of population health screening. Participant phenotype was not available at the time of variant classification. Additional details can be found in publication PMID: 35346344, PMCID: PMC8962531